The following is an entry in ClinVar:

ClinVar aggregate classification (germline): Uncertain significance (1 of 4 stars; one submission).

Submission:

Labcorp Genetics (formerly Invitae), Labcorp
Classification: Uncertain significance. Last evaluated: 2024-10-03. Review status: criteria provided, single submitter. Criteria: Invitae Variant Classification Sherloc (09022015). Collection method: clinical testing. Allele origin: germline.
Comment: This sequence change replaces glutamic acid, which is acidic and polar, with alanine, which is neutral and non-polar, at codon 511 of the NACC1 protein (p.Glu511Ala). Information on the frequency of this variant in the gnomAD database is not available, as this variant may be reported differently in the database. This variant has not been reported in the literature in individuals affected with NACC1-related conditions. An algorithm developed to predict the effect of missense changes on protein structure and function (PolyPhen-2) suggests that this variant is likely to be tolerated. In summary, the available evidence is currently insufficient to determine the role of this variant in disease. Therefore, it has been classified as a Variant of Uncertain Significance.

NM_052876.4(NACC1):c.1532_1533inv (p.Glu511Ala)

Gene: NACC1 (nucleus accumbens associated 1; plus strand). Cytogenetic location: 19p13.13.
Variant type: Inversion.
Coding change: c.1532_1533inv on transcript NM_052876.4 (MANE Select).
Protein change: p.Glu511Ala; replaces glutamic acid 511 with alanine.
Molecular consequence: missense variant.
Genome position: GRCh38 VCF-style: chr19-13138354-AG-CT. GRCh37 (hg19) VCF-style: chr19-13249168-AG-CT.
Other names: short protein forms E511A.
Identifiers: ClinVar variation 3661923 (VCV003661923.2).